The following is an entry in ClinVar:

NM_000593.6(TAP1):c.774C>A (p.Ser258Arg)

Gene: TAP1 (transporter 1, ATP binding cassette subfamily B member; minus strand). Cytogenetic location: 6p21.32.
Variant type: single nucleotide variant.
Coding change: c.774C>A on transcript NM_000593.6 (MANE Select); coding-DNA position 774, C replaced by A.
Protein change: p.Ser258Arg; replaces serine 258 with arginine.
Molecular consequence: missense variant.
Genome position (GRCh38, 1-based): chr6:32,852,179, G>T on the plus strand (C>A on the coding strand, the complement: TAP1 is on the minus strand). VCF-style: chr6-32852179-G-T. GRCh37 (hg19) VCF-style: chr6-32819956-G-T.
Other names: c.171C>A, p.Ser57Arg (NM_001292022.2); short protein forms S258R, S57R.
Identifiers: ClinVar variation 1354600 (VCV001354600.7), dbSNP rs2127392345, ClinGen allele CA363580618.

ClinVar aggregate classification (germline): Uncertain significance (1 of 4 stars; one submission).

Conditions:
MHC class I deficiency. Identifiers: Orphanet 34592, MedGen C6024714, MONDO:0011476.

Submission:

Labcorp Genetics (formerly Invitae), Labcorp
Classification: Uncertain significance for MHC class I deficiency 1. Last evaluated: 2023-01-15. Review status: criteria provided, single submitter. Criteria: Invitae Variant Classification Sherloc (09022015). Collection method: clinical testing. Allele origin: germline.
Comment: This sequence change replaces serine, which is neutral and polar, with arginine, which is basic and polar, at codon 318 of the TAP1 protein (p.Ser318Arg). This variant is not present in population databases (gnomAD no frequency). This variant has not been reported in the literature in individuals affected with TAP1-related conditions. ClinVar contains an entry for this variant (Variation ID: 1354600). Algorithms developed to predict the effect of missense changes on protein structure and function are either unavailable or do not agree on the potential impact of this missense change (SIFT: "Deleterious"; PolyPhen-2: "Benign"; Align-GVGD: "Class C0"). In summary, the available evidence is currently insufficient to determine the role of this variant in disease. Therefore, it has been classified as a Variant of Uncertain Significance.